The following is an entry in ClinVar:

NM_006939.4(SOS2):c.1855C>A (p.Pro619Thr)

Gene: SOS2 (SOS Ras/Rho guanine nucleotide exchange factor 2; minus strand). Cytogenetic location: 14q21.3.
Variant type: single nucleotide variant.
Coding change: c.1855C>A on transcript NM_006939.4 (MANE Select); coding-DNA position 1855, C replaced by A.
Protein change: p.Pro619Thr; replaces proline 619 with threonine.
Molecular consequence: missense variant.
Genome position (GRCh38, 1-based): chr14:50,158,644, G>T on the plus strand (C>A on the coding strand, the complement: SOS2 is on the minus strand). VCF-style: chr14-50158644-G-T. GRCh37 (hg19) VCF-style: chr14-50625362-G-T.
Other names: c.1756C>A, p.Pro586Thr (NM_001411020.1); short protein forms P586T, P619T.
Identifiers: ClinVar variation 2443493 (VCV002443493.1), dbSNP rs2502982747, ClinGen allele CA389644802.

ClinVar aggregate classification (germline): Uncertain significance (1 of 4 stars; one submission).

Allele frequency attached by ClinVar (database versions not stated): gnomAD exomes below 0.00001.
gnomAD v4.1: 3 of 1,593,948 alleles (0.00019%); highest among the groups gnomAD compares: Non-Finnish European, 0.00026%; no homozygotes.

Submission:

GeneDx
Classification: Uncertain significance. Last evaluated: 2022-09-08. Review status: criteria provided, single submitter. Criteria: GeneDx Variant Classification Process June 2021. Collection method: clinical testing. Allele origin: germline. Affected: yes.
Comment: Not observed at significant frequency in large population cohorts (gnomAD); In silico analysis supports that this missense variant has a deleterious effect on protein structure/function; Has not been previously published as pathogenic or benign to our knowledge